The following is an entry in ClinVar:

NM_032888.4(COL27A1):c.1235G>C (p.Arg412Pro)

Gene: COL27A1 (collagen type XXVII alpha 1 chain; plus strand). Cytogenetic location: 9q32.
Variant type: single nucleotide variant.
Coding change: c.1235G>C on transcript NM_032888.4 (MANE Select); coding-DNA position 1235, G replaced by C.
Protein change: p.Arg412Pro; replaces arginine 412 with proline.
Molecular consequence: missense variant.
Genome position (GRCh38, 1-based): chr9:114,168,790, G>C. VCF-style: chr9-114168790-G-C. GRCh37 (hg19) VCF-style: chr9-116931070-G-C.
Other names: short protein forms R412P.
Identifiers: ClinVar variation 2131629 (VCV002131629.4), dbSNP rs148184700, ClinGen allele CA374593745.

ClinVar aggregate classification (germline): Uncertain significance (1 of 4 stars; one submission).

gnomAD v4.1: 4 of 1,613,788 alleles (0.00025%); highest among the groups gnomAD compares: Non-Finnish European, 0.00034%; no homozygotes.

Submission:

Labcorp Genetics (formerly Invitae), Labcorp
Classification: Uncertain significance. Last evaluated: 2022-10-13. Review status: criteria provided, single submitter. Criteria: Invitae Variant Classification Sherloc (09022015). Collection method: clinical testing. Allele origin: germline.
Comment: Advanced modeling of protein sequence and biophysical properties (such as structural, functional, and spatial information, amino acid conservation, physicochemical variation, residue mobility, and thermodynamic stability) performed at Invitae indicates that this missense variant is not expected to disrupt COL27A1 protein function. This variant has not been reported in the literature in individuals affected with COL27A1-related conditions. This variant is not present in population databases (gnomAD no frequency). This sequence change replaces arginine, which is basic and polar, with proline, which is neutral and non-polar, at codon 412 of the COL27A1 protein (p.Arg412Pro). In summary, the available evidence is currently insufficient to determine the role of this variant in disease. Therefore, it has been classified as a Variant of Uncertain Significance.